The following is an entry in ClinVar:

NM_000043.6(FAS):c.355T>G (p.Cys119Gly)

Gene: FAS (Fas cell surface death receptor; plus strand). Cytogenetic location: 10q23.31.
Variant type: single nucleotide variant.
Coding change: c.355T>G on transcript NM_000043.6 (MANE Select); coding-DNA position 355, T replaced by G.
Protein change: p.Cys119Gly; replaces cysteine 119 with glycine.
Molecular consequence: missense variant. On other transcripts: non-coding transcript variant (1).
Genome position (GRCh38, 1-based): chr10:89,008,909, T>G. VCF-style: chr10-89008909-T-G. GRCh37 (hg19) VCF-style: chr10-90768666-T-G.
Other names: c.355T>G, p.Cys119Gly (NM_001320619.2, NM_152871.4, NM_152872.4); c.400T>G, p.Cys134Gly (NM_001410956.1); short protein forms C134G, C119G.
Identifiers: ClinVar variation 3719229 (VCV003719229.2).

ClinVar aggregate classification (germline): Uncertain significance (1 of 4 stars; one submission).

Conditions:
Autoimmune lymphoproliferative syndrome type 1. Also called: AUTOIMMUNE LYMPHOPROLIFERATIVE SYNDROME, TYPE I, AUTOSOMAL DOMINANT. Identifiers: Orphanet 3261, MedGen C2717884, MONDO:0011158, OMIM 601859.

Submission:

Labcorp Genetics (formerly Invitae), Labcorp
Classification: Uncertain significance for Autoimmune lymphoproliferative syndrome. Last evaluated: 2025-01-12. Review status: criteria provided, single submitter. Criteria: Invitae Variant Classification Sherloc (09022015). Collection method: clinical testing. Allele origin: germline.
Comment: This sequence change replaces cysteine, which is neutral and slightly polar, with glycine, which is neutral and non-polar, at codon 119 of the FAS protein (p.Cys119Gly). This variant is not present in population databases (gnomAD no frequency). This variant has not been reported in the literature in individuals affected with FAS-related conditions. Invitae Evidence Modeling of protein sequence and biophysical properties (such as structural, functional, and spatial information, amino acid conservation, physicochemical variation, residue mobility, and thermodynamic stability) indicates that this missense variant is expected to disrupt FAS protein function with a positive predictive value of 95%. In summary, the available evidence is currently insufficient to determine the role of this variant in disease. Therefore, it has been classified as a Variant of Uncertain Significance.